The following is an entry in ClinVar:

ClinVar aggregate classification (germline): Uncertain significance. Review status: criteria provided, multiple submitters, no conflicts (2 of 4 stars). 2 submissions from 2 submitters: Uncertain significance (2). Last evaluated 2025-05-23.

Conditions:
Inborn genetic diseases. Identifiers: MedGen C0950123, MeSH D030342.

Allele frequency attached by ClinVar (database versions not stated): gnomAD 0.00001 and 0.00005; TOPMed 0.00003; ExAC 0.00008; 1000 Genomes Project 0.00060; 1000 Genomes Project 30x 0.00078.
gnomAD v4.1: 67 of 1,613,990 alleles (0.0042%); highest among the groups gnomAD compares: South Asian, 0.049%; 1 homozygote.

Submissions (2):

Labcorp Genetics (formerly Invitae), Labcorp
Classification: Uncertain significance. Last evaluated: 2025-05-23. Review status: criteria provided, single submitter. Criteria: Invitae Variant Classification Sherloc (09022015). Collection method: clinical testing. Allele origin: germline.
Comment: This sequence change replaces isoleucine, which is neutral and non-polar, with leucine, which is neutral and non-polar, at codon 280 of the MATN3 protein (p.Ile280Leu). This variant is present in population databases (rs527437250, gnomAD 0.03%). This variant has not been reported in the literature in individuals affected with MATN3-related conditions. ClinVar contains an entry for this variant (Variation ID: 1405779). Invitae Evidence Modeling of protein sequence and biophysical properties (such as structural, functional, and spatial information, amino acid conservation, physicochemical variation, residue mobility, and thermodynamic stability) indicates that this missense variant is not expected to disrupt MATN3 protein function with a negative predictive value of 80%. In summary, the available evidence is currently insufficient to determine the role of this variant in disease. Therefore, it has been classified as a Variant of Uncertain Significance.

Ambry Genetics
Classification: Uncertain significance for Inborn genetic diseases. Last evaluated: 2024-07-30. Review status: criteria provided, single submitter. Criteria: Ambry Variant Classification Scheme 2023. Collection method: clinical testing. Allele origin: germline.

NM_002381.5(MATN3):c.838A>C (p.Ile280Leu)

Genes: MATN3 (matrilin 3; minus strand), WDR35-DT (WDR35 divergent transcript; plus strand). Cytogenetic location: 2p24.1.
Variant type: single nucleotide variant.
Coding change: c.838A>C on transcript NM_002381.5 (MANE Select); coding-DNA position 838, A replaced by C.
Protein change: p.Ile280Leu; replaces isoleucine 280 with leucine.
Molecular consequence: missense variant.
Genome position (GRCh38, 1-based): chr2:20,003,239, T>G on the plus strand (A>C on the coding strand, the complement: MATN3 is on the minus strand). VCF-style: chr2-20003239-T-G. GRCh37 (hg19) VCF-style: chr2-20203000-T-G.
Other names: c.838A>C (NM_002381.4); short protein forms I280L.
Identifiers: ClinVar variation 1405779 (VCV001405779.9), dbSNP rs527437250, ClinGen allele CA1543878.